The following is an entry in ClinVar:

NM_007294.4(BRCA1):c.3059_3060insTAATGTCACCTGAAAGAGAAATGGGAAATGAGAACATTCC (p.Pro1020_Ser1021insAsnValThrTer)

Gene: BRCA1 (BRCA1 DNA repair associated; minus strand). Cytogenetic location: 17q21.31.
Variant type: Insertion.
Coding change: c.3059_3060insTAATGTCACCTGAAAGAGAAATGGGAAATGAGAACATTCC on transcript NM_007294.4 (MANE Select); coding-DNA positions 3059 to 3060, TAATGTCACCTGAAAGAGAAATGGGAAATGAGAACATTCC inserted.
Protein change: p.Pro1020_Ser1021insAsnValThrTer.
Molecular consequence: nonsense. On other transcripts: intron variant (137), frameshift variant (1).
Genome position: GRCh38: chr17:43,092,510-43,092,511. GRCh37 (hg19): chr17:41,244,527-41,244,528.
Other names: c.785-1440_785-1439insAATGTCACCTGAAAGAGAAATGGGAAATGAGAACATTCCT (NM_001408407.1, NM_001408402.1, NM_001408473.1 and 13 more transcripts); c.665-1440_665-1439insAATGTCACCTGAAAGAGAAATGGGAAATGAGAACATTCCT (NM_001408443.1, NM_001408439.1, NM_001408425.1 and 12 more transcripts); c.671-1440_671-1439insAATGTCACCTGAAAGAGAAATGGGAAATGAGAACATTCCT (NM_001408419.1, NM_001408422.1, NM_001408418.1 and 2 more transcripts); c.788-1440_788-1439insAATGTCACCTGAAAGAGAAATGGGAAATGAGAACATTCCT (NM_001408403.1, NM_001407983.1, NM_001407975.1 and 17 more transcripts); c.791-1449_791-1448insAATGTCACCTGAAAGAGAAATGGGAAATGAGAACATTCCT (NM_001408406.1); c.647-1440_647-1439insAATGTCACCTGAAAGAGAAATGGGAAATGAGAACATTCCT (NM_001408456.1, NM_001408410.1, NM_001408458.1 and 11 more transcripts); c.644-1440_644-1439insAATGTCACCTGAAAGAGAAATGGGAAATGAGAACATTCCT (NM_001408465.1, NM_001408463.1, NM_001408462.1 and 3 more transcripts); c.578-1440_578-1439insAATGTCACCTGAAAGAGAAATGGGAAATGAGAACATTCCT (NM_001408482.1, NM_001408484.1, NM_001408478.1 and 9 more transcripts); and 42 more.
Identifiers: ClinVar variation 5033170 (VCV005033170.1).

ClinVar aggregate classification (germline): Pathogenic (1 of 4 stars; one submission).

Conditions:
Hereditary cancer-predisposing syndrome. Also called: Neoplastic Syndromes, Hereditary; Tumor predisposition; Hereditary neoplastic syndrome; Hereditary Cancer Syndrome. Identifiers: Orphanet 140162, MedGen C0027672, MeSH D009386, MONDO:0015356.

Submission:

Ambry Genetics
Classification: Pathogenic for Hereditary cancer-predisposing syndrome. Last evaluated: 2026-06-30. Review status: criteria provided, single submitter. Criteria: Ambry Variant Classification Scheme 2023. Collection method: clinical testing. Allele origin: germline.
Comment: The c.3059_3060ins40 pathogenic mutation, located in coding exon 9 of the BRCA1 gene, results from an insertion of 40 nucleotides (TAATGTCACCTGAAAGAGAAATGGGAAATGAGAACATTCC) at position 3059, causing a translational frameshift with a predicted alternate stop codon (p.S1021Nfs*4). This variant is considered to be rare based on population cohorts in the Genome Aggregation Database (gnomAD). This variant is expected to result in loss of function by premature protein truncation or nonsense-mediated mRNA decay. As such, this variant is interpreted as a disease-causing mutation.